The following is an entry in ClinVar:

ClinVar aggregate classification (germline): Uncertain significance (1 of 4 stars; one submission).

Conditions:
Cardiovascular phenotype. Identifiers: MedGen CN230736.

Submission:

Ambry Genetics
Classification: Uncertain significance for Cardiovascular phenotype. Last evaluated: 2024-04-04. Review status: criteria provided, single submitter. Criteria: Ambry Variant Classification Scheme 2023. Collection method: clinical testing. Allele origin: germline.
Comment: The p.P1161L variant (also known as c.3482C>T), located in coding exon 31 of the MYBPC3 gene, results from a C to T substitution at nucleotide position 3482. The proline at codon 1161 is replaced by leucine, an amino acid with similar properties. This amino acid position is conserved. In addition, this alteration is predicted to be tolerated by in silico analysis. Based on the available evidence, the clinical significance of this variant remains unclear.

NM_000256.3(MYBPC3):c.3482C>T (p.Pro1161Leu)

Gene: MYBPC3 (myosin binding protein C3; minus strand). Cytogenetic location: 11p11.2.
Variant type: single nucleotide variant.
Coding change: c.3482C>T on transcript NM_000256.3 (MANE Select); coding-DNA position 3482, C replaced by T.
Protein change: p.Pro1161Leu; replaces proline 1161 with leucine.
Molecular consequence: missense variant.
Genome position (GRCh38, 1-based): chr11:47,332,822, G>A on the plus strand (C>T on the coding strand, the complement: MYBPC3 is on the minus strand). VCF-style: chr11-47332822-G-A. GRCh37 (hg19) VCF-style: chr11-47354373-G-A.
Other names: short protein forms P1161L.
Identifiers: ClinVar variation 3297217 (VCV003297217.1).
Genomic context (GRCh38, chr11:47,332,822, plus strand): 5'-TCCCACAGCCTCCCTGCCCCAGCCCCTGGTTGGAAGAATGAGGGTACAGCACCTGGTCTG[G>A]GGATAAAGACGGGCTCCTTGGTGGTGGCCGCTCTGTCACTAAAGCCAACCATATTCTGGC-3'
Protein context (NP_000247.2, residues 1151-1171): AATTKEPVFI[Pro1161Leu]RPGITYEPPN